The following is an entry in ClinVar:

NM_001148.6(ANK2):c.3536T>G (p.Val1179Gly)

Gene: ANK2 (ankyrin 2; plus strand). Cytogenetic location: 4q26.
Variant type: single nucleotide variant.
Coding change: c.3536T>G on transcript NM_001148.6 (MANE Select); coding-DNA position 3536, T replaced by G.
Protein change: p.Val1179Gly; replaces valine 1179 with glycine.
Molecular consequence: missense variant. On other transcripts: 5 prime UTR variant (2).
Genome position (GRCh38, 1-based): chr4:113,336,002, T>G. VCF-style: chr4-113336002-T-G. GRCh37 (hg19) VCF-style: chr4-114257158-T-G.
Other names: c.3509T>G, p.Val1170Gly (NM_001127493.3); c.3548T>G, p.Val1183Gly (NM_001354225.2); c.3437T>G, p.Val1146Gly (NM_001354228.2, NM_001354258.2); c.3515T>G, p.Val1172Gly (NM_001354230.2); c.3578T>G, p.Val1193Gly (NM_001354231.2, NM_001354242.2); c.3572T>G, p.Val1191Gly (NM_001354232.2); c.3533T>G, p.Val1178Gly (NM_001354235.2, NM_001354246.2, NM_001354265.2); c.3434T>G, p.Val1145Gly (NM_001354236.2); and 31 more; short protein forms V1104G, V1108G, V1112G, V1113G, V1117G, V1124G, V1125G, V1127G.
Identifiers: ClinVar variation 3338750 (VCV003338750.1).

ClinVar aggregate classification (germline): Uncertain significance (1 of 4 stars; one submission).

Submission:

GeneDx
Classification: Uncertain significance. Last evaluated: 2023-08-11. Review status: criteria provided, single submitter. Criteria: GeneDx Variant Classification Process June 2021. Collection method: clinical testing. Allele origin: germline. Affected: yes.
Comment: Not observed at significant frequency in large population cohorts (gnomAD); In silico analysis supports that this missense variant has a deleterious effect on protein structure/function; Has not been previously published as pathogenic or benign to our knowledge